The following is an entry in ClinVar:

ClinVar aggregate classification (germline): Pathogenic (1 of 4 stars; one submission).

Submission:

GeneDx
Classification: Pathogenic. Last evaluated: 2023-04-18. Review status: criteria provided, single submitter. Criteria: GeneDx Variant Classification Process June 2021. Collection method: clinical testing. Allele origin: germline. Affected: yes.
Comment: Frameshift variant predicted to result in protein truncation or nonsense mediated decay in a gene for which loss-of-function is a known mechanism of disease; Not observed in large population cohorts (gnomAD); Has not been previously published as pathogenic or benign to our knowledge

NM_001904.4(CTNNB1):c.1301dup (p.Asn434fs)

Genes: CTNNB1 (catenin beta 1; plus strand), LOC126806659 (BRD4-independent group 4 enhancer GRCh37_chr3:41274918-41276117; plus strand). Cytogenetic location: 3p22.1.
Variant type: Duplication.
Coding change: c.1301dup on transcript NM_001904.4 (MANE Select); coding-DNA position 1301, one base duplicated (A; older notation c.1301dupA).
Protein change: p.Asn434fs; shifts the reading frame from asparagine 434.
Molecular consequence: frameshift variant.
Genome position (GRCh38, 1-based): chr3:41,233,644, A duplicated; the last of 2 consecutive A bases (chr3:41,233,643-41,233,644); duplicating either gives the same sequence. VCF-style (leftmost placement, unchanged base first): chr3-41233642-G-GA. GRCh37 (hg19) VCF-style: chr3-41275133-G-GA.
Other names: c.1301dup, p.Asn434fs (NM_001098209.2, NM_001098210.2); c.1280dup, p.Asn427fs (NM_001330729.2); short protein forms N427fs, N434fs.
Identifiers: ClinVar variation 2499845 (VCV002499845.1), dbSNP rs2470829028, ClinGen allele CA2580069814.